The following is an entry in ClinVar:

ClinVar aggregate classification (germline): Uncertain significance (1 of 4 stars; one submission).

Allele frequency attached by ClinVar (database versions not stated): gnomAD 0.00003; ExAC 0.00004; gnomAD exomes 0.00005; TOPMed 0.00007.
gnomAD v4.1: 94 of 1,613,986 alleles (0.0058%); highest among the groups gnomAD compares: Admixed American, 0.0033%; no homozygotes.

Submission:

Ambry Genetics
Classification: Uncertain significance. Last evaluated: 2024-05-03. Review status: criteria provided, single submitter. Criteria: Ambry Variant Classification Scheme 2023. Collection method: clinical testing. Allele origin: germline.
Comment: The p.Q545L variant (also known as c.1634A>T), located in coding exon 9 of the PKP4 gene, results from an A to T substitution at nucleotide position 1634. The glutamine at codon 545 is replaced by leucine, an amino acid with dissimilar properties. This amino acid position is conserved. In addition, this alteration is predicted to be deleterious by in silico analysis. Since supporting evidence is limited at this time, the clinical significance of this alteration remains unclear.

NM_003628.6(PKP4):c.1634A>T (p.Gln545Leu)

Gene: PKP4 (plakophilin 4; plus strand). Cytogenetic location: 2q24.1.
Variant type: single nucleotide variant.
Coding change: c.1634A>T on transcript NM_003628.6 (MANE Select); coding-DNA position 1634, A replaced by T.
Protein change: p.Gln545Leu; replaces glutamine 545 with leucine.
Molecular consequence: missense variant.
Genome position (GRCh38, 1-based): chr2:158,640,698, A>T. VCF-style: chr2-158640698-A-T. GRCh37 (hg19) VCF-style: chr2-159497210-A-T.
Other names: c.1634A>T, p.Gln545Leu (NM_001005476.4, NM_001304971.2, NM_001377218.1 and 1 more transcripts); c.1631A>T, p.Gln544Leu (NM_001304969.3, NM_001377219.1, NM_001377220.1 and 2 more transcripts); c.605A>T, p.Gln202Leu (NM_001304970.3); c.1628A>T, p.Gln543Leu (NM_001377222.1, NM_001377223.1); c.1625A>T, p.Gln542Leu (NM_001377224.1); short protein forms Q202L, Q545L, Q543L, Q542L, Q544L.
Identifiers: ClinVar variation 1776891 (VCV001776891.3), dbSNP rs200346653, ClinGen allele CA1920769.